The following is an entry in ClinVar:

NM_002693.3(POLG):c.2481-10A>C

Gene: POLG (DNA polymerase gamma, catalytic subunit; minus strand). Cytogenetic location: 15q26.1.
Variant type: single nucleotide variant.
Coding change: c.2481-10A>C on transcript NM_002693.3 (MANE Select); 10 bases into the intron before coding-DNA position 2481, A replaced by C.
Molecular consequence: intron variant.
Genome position (GRCh38, 1-based): chr15:89,321,863, T>G on the plus strand (A>C on the coding strand, the complement: POLG is on the minus strand). VCF-style: chr15-89321863-T-G. GRCh37 (hg19) VCF-style: chr15-89865094-T-G.
Other names: c.2481-10A>C (NM_001126131.2).
Identifiers: ClinVar variation 317326 (VCV000317326.27), dbSNP rs555280530, ClinGen allele CA7724448.

ClinVar aggregate classification (germline): Conflicting classifications of pathogenicity. Review status: criteria provided, conflicting classifications (1 of 4 stars). 9 submissions from 9 submitters: Uncertain significance (2); Benign (1); Likely benign (5). 1 of the submissions does not count toward it. Last evaluated 2026-02-01.

Conditions:
POLG-related disorder. Also called: POLG-Related Spectrum Disorders; POLG-related condition; POLG-Related Disorders. Identifiers: MedGen C4763519.
Progressive sclerosing poliodystrophy (MTDPS4A). Also called: ALPERS PROGRESSIVE INFANTILE POLIODYSTROPHY; Mitochondrial DNA depletion syndrome 4A (Alpers type); Alpers-Huttenlocher Syndrome; NEURONAL DEGENERATION OF CHILDHOOD WITH LIVER DISEASE, PROGRESSIVE; Mitochondrial DNA Depletion Syndrome 4A; Alpers-Huttenlocher Syndrome (AHS). Identifiers: Orphanet 726, MedGen C0205710, MONDO:0008758, OMIM 203700.

Allele frequency attached by ClinVar (database versions not stated): gnomAD below 0.00001 and 0.00012; gnomAD exomes 0.00037; ExAC 0.00046; 1000 Genomes Project 0.00060; 1000 Genomes Project 30x 0.00125.
gnomAD v4.1: 264 of 1,611,798 alleles (0.016%); highest among the groups gnomAD compares: South Asian, 0.28%; no homozygotes.

Submissions (9):

Labcorp Genetics (formerly Invitae), Labcorp
Classification: Benign for Progressive sclerosing poliodystrophy. Last evaluated: 2026-02-01. Review status: criteria provided, single submitter. Criteria: Invitae Variant Classification Sherloc (09022015). Collection method: clinical testing. Allele origin: germline.

Athena Diagnostics
Classification: Likely benign. Last evaluated: 2024-08-14. Review status: criteria provided, single submitter. Criteria: Athena Diagnostics Criteria. Collection method: clinical testing. Allele origin: unknown.

Women's Health and Genetics/Laboratory Corporation of America, LabCorp
Classification: Likely benign. Last evaluated: 2024-04-02. Review status: criteria provided, single submitter. Criteria: LabCorp Variant Classification Summary - May 2015. Collection method: clinical testing. Allele origin: germline.

Blueprint Genetics
Classification: Likely benign. Last evaluated: 2024-03-01. Review status: criteria provided, single submitter. Criteria: ACMG Guidelines, 2015. Collection method: clinical testing. Allele origin: germline.

GeneDx
Classification: Likely benign. Last evaluated: 2018-10-15. Review status: criteria provided, single submitter. Criteria: GeneDx Variant Classification Process June 2021. Collection method: clinical testing. Allele origin: germline. Affected: yes.

Wong Mito Lab, Molecular and Human Genetics, Baylor College of Medicine
Classification: Likely benign for Progressive sclerosing poliodystrophy. Last evaluated: 2018-10-01. Review status: criteria provided, single submitter. Criteria: ACMG Guidelines, 2015. Collection method: clinical testing. Allele origin: germline.
Comment: The NM_002693.2:c.2481-10A>C (NP_002684.1:p.=) [GRCH38: NC_000015.10:g.89321863T>G] variant in POLG gene is interpretated to be a Likely Benign based on ACMG guidelines (PMID: 25741868). This variant meets the following evidence codes reported in the ACMG-guideline. BP4:Computational evidence/predictors indicate no impact on the POLG structure, function, or protein-protein interaction. BP6:Reputable source(s) without shared data suggest the variant is benign. Based on the evidence criteria codes applied, the variant is suggested to be Likely Benign.

Eurofins Ntd Llc (ga)
Classification: Uncertain significance. Last evaluated: 2018-07-12. Review status: criteria provided, single submitter. Criteria: EGL ClinVar v180209 classification definitions. Collection method: clinical testing. Allele origin: germline. Observed: 1 variant allele, 1 heterozygote.

Illumina Laboratory Services, Illumina
Classification: Uncertain significance for POLG-Related Spectrum Disorders. Last evaluated: 2018-01-12. Review status: criteria provided, single submitter. Criteria: ICSL Variant Classification Criteria 13 December 2019. Collection method: clinical testing. Allele origin: germline.

PreventionGenetics, part of Exact Sciences
Classification: Likely benign for POLG-related condition. Last evaluated: 2019-04-08. Review status: no assertion criteria provided. Collection method: clinical testing. Allele origin: germline. Not counted in ClinVar's aggregate classification.
Comment: This variant is classified as likely benign based on ACMG/AMP sequence variant interpretation guidelines (Richards et al. 2015 PMID: 25741868, with internal and published modifications).